The following is an entry in ClinVar:

NM_006031.6(PCNT):c.127G>C (p.Gly43Arg)

Genes: PCNT (pericentrin; plus strand), LOC128092249 (uncharacterized LOC128092249; plus strand). Cytogenetic location: 21q22.3.
Variant type: single nucleotide variant.
Coding change: c.127G>C on transcript NM_006031.6 (MANE Select); coding-DNA position 127, G replaced by C.
Protein change: p.Gly43Arg; replaces glycine 43 with arginine.
Molecular consequence: missense variant. On other transcripts: 5 prime UTR variant (1).
Genome position (GRCh38, 1-based): chr21:46,326,449, G>C. VCF-style: chr21-46326449-G-C. GRCh37 (hg19) VCF-style: chr21-47746363-G-C.
Other names: c.162G>C, p.Arg54Ser (NM_001414902.1); c.-228G>C (NM_001315529.2); short protein forms G43R, R54S.
Identifiers: ClinVar variation 4992092 (VCV004992092.1).

ClinVar aggregate classification (germline): Uncertain significance (1 of 4 stars; one submission).

Conditions:
PCNT-related disorder. Also called: PCNT-related condition.

Submission:

PreventionGenetics, part of Exact Sciences
Classification: Uncertain significance for PCNT-related condition. Last evaluated: 2025-08-12. Review status: criteria provided, single submitter. Criteria: ACMG Guidelines, 2015. Collection method: clinical testing. Allele origin: germline.
Comment: The PCNT c.127G>C variant is predicted to result in the amino acid substitution p.Gly43Arg. To our knowledge, this variant has not been reported in the literature or in a large population database (gnomAD), indicating this variant is rare. At this time, the clinical significance of this variant is uncertain due to the absence of conclusive functional and genetic evidence.